The following is an entry in ClinVar:

ClinVar aggregate classification (germline): Uncertain significance (1 of 4 stars; one submission).

Conditions:
Lynch syndrome. Identifiers: Orphanet 144, MedGen C4552100, MONDO:0005835. Disease mechanism: loss of function.

Submission:

All of Us Research Program, National Institutes of Health
Classification: Uncertain significance for Lynch syndrome. Last evaluated: 2023-02-10. Review status: criteria provided, single submitter. Criteria: ACMG Guidelines, 2015. Collection method: clinical testing. Allele origin: germline. Inheritance: Autosomal dominant inheritance. Observed: 1 variant allele, 1 heterozygote.
Comment: This study involves interpretation of variants in research participants for the purpose of population health screening. Participant phenotype was not available at the time of variant classification. Additional details can be found in publication PMID: 35346344, PMCID: PMC8962531

NM_000179.3(MSH6):c.1541G>C (p.Cys514Ser)

Gene: MSH6 (mutS homolog 6; plus strand). Cytogenetic location: 2p16.3.
Variant type: single nucleotide variant.
Coding change: c.1541G>C on transcript NM_000179.3 (MANE Select); coding-DNA position 1541, G replaced by C.
Protein change: p.Cys514Ser; replaces cysteine 514 with serine.
Molecular consequence: missense variant. On other transcripts: non-coding transcript variant (4), intron variant (1).
Genome position (GRCh38, 1-based): chr2:47,799,524, G>C. VCF-style: chr2-47799524-G-C. GRCh37 (hg19) VCF-style: chr2-48026663-G-C.
Other names: c.1151G>C, p.Cys384Ser (NM_001281492.2); c.635G>C, p.Cys212Ser (NM_001281493.2, NM_001281494.2, NM_001406811.1 and 6 more transcripts); c.1637G>C, p.Cys546Ser (NM_001406795.1, NM_001406802.1); c.1541G>C, p.Cys514Ser (NM_001406796.1, NM_001406798.1, NM_001406800.1 and 4 more transcripts); c.1244G>C, p.Cys415Ser (NM_001406797.1, NM_001406801.1, NM_001406805.1 and 10 more transcripts); c.1016G>C, p.Cys339Ser (NM_001406799.1, NM_001406806.1, NM_001406807.1); c.1463G>C, p.Cys488Ser (NM_001406804.1); c.1547G>C, p.Cys516Ser (NM_001406813.1); and 2 more; short protein forms C212S, C339S, C384S, C415S, C458S, C488S, C514S, C516S.
Identifiers: ClinVar variation 3074221 (VCV003074221.1), dbSNP rs2104350516, ClinGen allele CA346746598.
Genomic context (GRCh38, chr2:47,799,524, plus strand): 5'-CACGATGTAGAAAGATGGCACATATATCCAAGTATGATAGAGTGGTGAGGAGGGAGATCT[G>C]TAGGATCATTACCAAGGGTACACAGACTTACAGTGTGCTGGAAGGTGATCCCTCTGAGAA-3'
Protein context (NP_000170.1, residues 504-524): KYDRVVRREI[Cys514Ser]RIITKGTQTY